The following is an entry in ClinVar:

ClinVar aggregate classification (germline): Pathogenic (1 of 4 stars; one submission).

Conditions:
Immunodeficiency 23 (IMD23). Also called: IMMUNODEFICIENCY WITH HYPER IgE AND COGNITIVE IMPAIRMENT; IMMUNODEFICIENCY-VASCULITIS-MYOCLONUS SYNDROME. Identifiers: Orphanet 443811, MedGen C4014371, MONDO:0014353, OMIM 615816.

Submission:

Labcorp Genetics (formerly Invitae), Labcorp
Classification: Pathogenic for Immunodeficiency 23. Last evaluated: 2025-11-26. Review status: criteria provided, single submitter. Criteria: Invitae Variant Classification Sherloc (09022015). Collection method: clinical testing. Allele origin: germline.
Comment: This sequence change creates a premature translational stop signal (p.Ser83Ilefs*14) in the PGM3 gene. It is expected to result in an absent or disrupted protein product. Loss-of-function variants in PGM3 are known to be pathogenic (PMID: 17548465, 24589341, 24931394). This variant is present in population databases (rs764377394, gnomAD 0.007%). This variant has not been reported in the literature in individuals affected with PGM3-related conditions. ClinVar contains an entry for this variant (Variation ID: 2836292). Algorithms developed to predict the effect of sequence changes on RNA splicing suggest that this variant may disrupt the consensus splice site. For these reasons, this variant has been classified as Pathogenic.

Literature cited by the submitters: PubMed 17548465; PubMed 24589341; PubMed 24931394.

NM_015599.3(PGM3):c.162dup (p.Ser55fs)

Gene: PGM3 (phosphoglucomutase 3; minus strand). Cytogenetic location: 6q14.1.
Variant type: Duplication.
Coding change: c.162dup on transcript NM_015599.3 (MANE Select); coding-DNA position 162, one base duplicated (A; older notation c.162dupA).
Protein change: p.Ser55fs; shifts the reading frame from serine 55.
Molecular consequence: frameshift variant. On other transcripts: non-coding transcript variant (1), intron variant (1).
Genome position (GRCh38, 1-based): chr6:83,190,851, T duplicated on the plus strand (A on the coding strand, the reverse complement: PGM3 is on the minus strand); the first of 4 consecutive T bases (chr6:83,190,851-83,190,854); duplicating any one gives the same sequence. VCF-style (leftmost placement, unchanged base first): chr6-83190850-A-AT. GRCh37 (hg19) VCF-style: chr6-83900569-A-AT.
Other names: c.246dup, p.Ser83fs (NM_001199917.2, NM_001367287.1); c.162dup, p.Ser55fs (NM_001199919.2, NM_001367286.1); c.-39-2053dup (NM_001199918.2); short protein forms S55fs, S83fs.
Identifiers: ClinVar variation 2836292 (VCV002836292.3), dbSNP rs764377394, ClinGen allele CA3906881.